The following is an entry in ClinVar:

NM_006231.4(POLE):c.4717C>G (p.Leu1573Val)

Gene: POLE (DNA polymerase epsilon, catalytic subunit; minus strand). Cytogenetic location: 12q24.33.
Variant type: single nucleotide variant.
Coding change: c.4717C>G on transcript NM_006231.4 (MANE Select); coding-DNA position 4717, C replaced by G.
Protein change: p.Leu1573Val; replaces leucine 1573 with valine.
Molecular consequence: missense variant.
Genome position (GRCh38, 1-based): chr12:132,642,831, G>C on the plus strand (C>G on the coding strand, the complement: POLE is on the minus strand). VCF-style: chr12-132642831-G-C. GRCh37 (hg19) VCF-style: chr12-133219417-G-C.
Other names: short protein forms L1573V.
Identifiers: ClinVar variation 4844253 (VCV004844253.1).

ClinVar aggregate classification (germline): Uncertain significance (1 of 4 stars; one submission).

Conditions:
Hereditary cancer-predisposing syndrome. Also called: Neoplastic Syndromes, Hereditary; Tumor predisposition; Hereditary Cancer Syndrome; Hereditary neoplastic syndrome. Identifiers: Orphanet 140162, MedGen C0027672, MeSH D009386, MONDO:0015356.

Submission:

Ambry Genetics
Classification: Uncertain significance for Hereditary cancer-predisposing syndrome. Last evaluated: 2026-01-20. Review status: criteria provided, single submitter. Criteria: Ambry Variant Classification Scheme 2023. Collection method: clinical testing. Allele origin: germline.
Comment: The p.L1573V variant (also known as c.4717C>G), located in coding exon 36 of the POLE gene, results from a C to G substitution at nucleotide position 4717. The leucine at codon 1573 is replaced by valine, an amino acid with highly similar properties. This amino acid position is conserved. In addition, this alteration is predicted to be tolerated by in silico analysis. Based on the available evidence, the clinical significance of this variant remains unclear.